The following is an entry in ClinVar:

NM_015141.4(GPD1L):c.828C>T (p.Ala276=)

Gene: GPD1L (glycerol-3-phosphate dehydrogenase 1 like; plus strand). Cytogenetic location: 3p22.3.
Variant type: single nucleotide variant.
Coding change: c.828C>T on transcript NM_015141.4 (MANE Select); coding-DNA position 828, C replaced by T.
Protein change: p.Ala276=; no amino-acid change (alanine 276 retained).
Molecular consequence: synonymous variant.
Genome position (GRCh38, 1-based): chr3:32,159,085, C>T. VCF-style: chr3-32159085-C-T. GRCh37 (hg19) VCF-style: chr3-32200577-C-T.
Identifiers: ClinVar variation 390100 (VCV000390100.13), dbSNP rs200392121, ClinGen allele CA2296751.
Genomic context (GRCh38, chr3:32,159,085, plus strand): 5'-GAGCTGCGGGGTGGCCGACCTGATCACCACCTGTTACGGAGGGCGGAACCGCAGGGTGGC[C>T]GAGGCCTTCGCCAGAACTGGGAAGGTAGCCCCTCACCTGCTCTCCCGCACCCCCTCCTTC-3'
Protein context (NP_055956.1, residues 266-286): TCYGGRNRRV[Ala276=]EAFARTGKTI

ClinVar aggregate classification (germline): Benign/Likely benign. Review status: criteria provided, multiple submitters, no conflicts (2 of 4 stars). 3 submissions from 3 submitters: Benign (2); Likely benign (1). Last evaluated 2025-11-06.

Conditions:
Brugada syndrome. Also called: Sudden unexplained nocturnal death syndrome; Sudden Unexplained Death Syndrome; Sudden Unexplained Nocturnal Death Syndrome (SUNDS); Sudden unexpected nocturnal death syndrome. Identifiers: Orphanet 130, MedGen C1142166, MONDO:0015263.
Cardiovascular phenotype. Identifiers: MedGen CN230736.

Allele frequency attached by ClinVar (database versions not stated): TOPMed 0.00006; ExAC 0.00055; gnomAD exomes 0.00055; 1000 Genomes Project 0.00180; 1000 Genomes Project 30x 0.00203.
gnomAD v4.1: 307 of 1,613,684 alleles (0.019%); highest among the groups gnomAD compares: South Asian, 0.3%; 4 homozygotes.

Submissions (3):

Labcorp Genetics (formerly Invitae), Labcorp
Classification: Benign for Brugada syndrome. Last evaluated: 2025-11-06. Review status: criteria provided, single submitter. Criteria: Invitae Variant Classification Sherloc (09022015). Collection method: clinical testing. Allele origin: germline.

Ambry Genetics
Classification: Benign for Cardiovascular phenotype. Last evaluated: 2020-12-04. Review status: criteria provided, single submitter. Criteria: Ambry Variant Classification Scheme 2023. Collection method: clinical testing. Allele origin: germline.

GeneDx
Classification: Likely benign. Last evaluated: 2016-10-19. Review status: criteria provided, single submitter. Criteria: GeneDx Variant Classification (06012015). Collection method: clinical testing. Allele origin: germline. Affected: yes.
Comment: This variant is considered likely benign or benign based on one or more of the following criteria: it is a conservative change, it occurs at a poorly conserved position in the protein, it is predicted to be benign by multiple in silico algorithms, and/or has population frequency not consistent with disease.